The following is an entry in ClinVar:

NM_058246.4(DNAJB6):c.640G>C (p.Glu214Gln)

Gene: DNAJB6 (DnaJ heat shock protein family (Hsp40) member B6; plus strand). Cytogenetic location: 7q36.3.
Variant type: single nucleotide variant.
Coding change: c.640G>C on transcript NM_058246.4 (MANE Select); coding-DNA position 640, G replaced by C.
Protein change: p.Glu214Gln; replaces glutamic acid 214 with glutamine.
Molecular consequence: missense variant. On other transcripts: intron variant (1).
Genome position (GRCh38, 1-based): chr7:157,385,560, G>C. VCF-style: chr7-157385560-G-C. GRCh37 (hg19) VCF-style: chr7-157178254-G-C.
Other names: c.640G>C, p.Glu214Gln (NM_005494.3); c.346+18077G>C (NM_001363676.1); c.640G>C (NM_058246.3); short protein forms E214Q.
Identifiers: ClinVar variation 2051374 (VCV002051374.5), dbSNP rs935713558, ClinGen allele CA169880750.

ClinVar aggregate classification (germline): Uncertain significance. Review status: criteria provided, multiple submitters, no conflicts (2 of 4 stars). 2 submissions from 2 submitters: Uncertain significance (2). Last evaluated 2024-02-10.

Conditions:
Autosomal dominant limb-girdle muscular dystrophy type 1D (DNAJB6) (LGMDD1). Also called: MUSCULAR DYSTROPHY, LIMB-GIRDLE, TYPE 1D; Autosomal dominant limb-girdle muscular dystrophy type 1D; Muscular dystrophy, limb-girdle, autosomal dominant 1; MUSCULAR DYSTROPHY, AUTOSOMAL DOMINANT, WITH RIMMED VACUOLES. Identifiers: Orphanet 34516, MedGen C4721885, MONDO:0021018, OMIM 603511.

Allele frequency attached by ClinVar (database versions not stated): TOPMed 0.00001.

Submissions (2):

Labcorp Genetics (formerly Invitae), Labcorp
Classification: Uncertain significance for Autosomal dominant limb-girdle muscular dystrophy type 1D (DNAJB6). Last evaluated: 2024-02-10. Review status: criteria provided, single submitter. Criteria: Invitae Variant Classification Sherloc (09022015). Collection method: clinical testing. Allele origin: germline.
Comment: This sequence change replaces glutamic acid, which is acidic and polar, with glutamine, which is neutral and polar, at codon 214 of the DNAJB6 protein (p.Glu214Gln). The frequency data for this variant in the population databases is considered unreliable, as metrics indicate poor data quality at this position in the gnomAD database. This variant has not been reported in the literature in individuals affected with DNAJB6-related conditions. ClinVar contains an entry for this variant (Variation ID: 2051374). Advanced modeling of protein sequence and biophysical properties (such as structural, functional, and spatial information, amino acid conservation, physicochemical variation, residue mobility, and thermodynamic stability) has been performed at Invitae for this missense variant, however the output from this modeling did not meet the statistical confidence thresholds required to predict the impact of this variant on DNAJB6 protein function. In summary, the available evidence is currently insufficient to determine the role of this variant in disease. Therefore, it has been classified as a Variant of Uncertain Significance.

GeneDx
Classification: Uncertain significance. Last evaluated: 2023-03-20. Review status: criteria provided, single submitter. Criteria: GeneDx Variant Classification Process June 2021. Collection method: clinical testing. Allele origin: germline. Affected: yes.
Comment: Missense variants in this gene are often considered pathogenic (HGMD); In silico analysis supports that this missense variant has a deleterious effect on protein structure/function; Has not been previously published as pathogenic or benign to our knowledge